The following is an entry in ClinVar:

NM_198576.4(AGRN):c.4903C>T (p.Pro1635Ser)

Gene: AGRN (agrin; plus strand). Cytogenetic location: 1p36.33.
Variant type: single nucleotide variant.
Coding change: c.4903C>T on transcript NM_198576.4 (MANE Select); coding-DNA position 4903, C replaced by T.
Protein change: p.Pro1635Ser; replaces proline 1635 with serine.
Molecular consequence: missense variant.
Genome position (GRCh38, 1-based): chr1:1,050,256, C>T. VCF-style: chr1-1050256-C-T. GRCh37 (hg19) VCF-style: chr1-985636-C-T.
Other names: c.4903C>T, p.Pro1635Ser (NM_001305275.2); c.4588C>T, p.Pro1530Ser (NM_001364727.2); c.4903C>T (NM_198576.3); short protein forms P1635S, P1530S.
Identifiers: ClinVar variation 1466251 (VCV001466251.6), dbSNP rs2100681928, ClinGen allele CA337779653.

ClinVar aggregate classification (germline): Uncertain significance. Review status: criteria provided, multiple submitters, no conflicts (2 of 4 stars). 2 submissions from 2 submitters: Uncertain significance (2). Last evaluated 2025-01-27.

Conditions:
Inborn genetic diseases. Identifiers: MedGen C0950123, MeSH D030342.
Congenital myasthenic syndrome 8. Also called: Myasthenic syndrome, congenital, 8, with pre- and postsynaptic defects; MYASTHENIC SYNDROME, CONGENITAL, DUE TO AGRIN DEFICIENCY. Identifiers: Orphanet 590, MedGen C3808739, MONDO:0014052, OMIM 615120.

Allele frequency attached by ClinVar (database versions not stated): gnomAD exomes below 0.00001.

Submissions (2):

Ambry Genetics
Classification: Uncertain significance for Inborn genetic diseases. Last evaluated: 2025-01-27. Review status: criteria provided, single submitter. Criteria: Ambry Variant Classification Scheme 2023. Collection method: clinical testing. Allele origin: germline.

Labcorp Genetics (formerly Invitae), Labcorp
Classification: Uncertain significance for Congenital myasthenic syndrome 8. Last evaluated: 2022-04-28. Review status: criteria provided, single submitter. Criteria: Invitae Variant Classification Sherloc (09022015). Collection method: clinical testing. Allele origin: germline.
Comment: This sequence change replaces proline, which is neutral and non-polar, with serine, which is neutral and polar, at codon 1635 of the AGRN protein (p.Pro1635Ser). This variant is not present in population databases (gnomAD no frequency). This variant has not been reported in the literature in individuals affected with AGRN-related conditions. Algorithms developed to predict the effect of missense changes on protein structure and function are either unavailable or do not agree on the potential impact of this missense change (SIFT: "Deleterious"; PolyPhen-2: "Possibly Damaging"; Align-GVGD: "Class C0"). In summary, the available evidence is currently insufficient to determine the role of this variant in disease. Therefore, it has been classified as a Variant of Uncertain Significance.